The following is an entry in ClinVar:

ClinVar aggregate classification (germline): Uncertain significance (1 of 4 stars; one submission).

gnomAD v4.1: 11 of 1,614,052 alleles (0.00068%); highest among the groups gnomAD compares: Non-Finnish European, 0.00093%; no homozygotes.

Submission:

Women's Health and Genetics/Laboratory Corporation of America, LabCorp
Classification: Uncertain significance. Last evaluated: 2026-03-18. Review status: criteria provided, single submitter. Criteria: LabCorp Variant Classification Summary - May 2015. Collection method: clinical testing. Allele origin: germline.
Comment: Variant summary: DSE c.743G>A (p.Arg248Lys) results in a conservative amino acid change in the encoded protein sequence. Algorithms developed to predict the effect of missense changes on protein structure and function are either unavailable or do not agree on the potential impact of this missense change. The variant allele was found at a frequency of 1.2e-05 in 251482 control chromosomes. The available data on variant occurrences in the general population are insufficient to allow any conclusion about variant significance. To our knowledge, no occurrence of c.743G>A in individuals affected with DSE-related conditions and no experimental evidence demonstrating its impact on protein function have been reported. No submitters have cited clinical-significance assessments for this variant to ClinVar. Based on the evidence outlined above, the variant was classified as uncertain significance.

NM_013352.4(DSE):c.743G>A (p.Arg248Lys)

Gene: DSE (dermatan sulfate epimerase; plus strand). Cytogenetic location: 6q22.1.
Variant type: single nucleotide variant.
Coding change: c.743G>A on transcript NM_013352.4 (MANE Select); coding-DNA position 743, G replaced by A.
Protein change: p.Arg248Lys; replaces arginine 248 with lysine.
Molecular consequence: missense variant. On other transcripts: 5 prime UTR variant (1), non-coding transcript variant (1), intron variant (2).
Genome position (GRCh38, 1-based): chr6:116,431,026, G>A. VCF-style: chr6-116431026-G-A. GRCh37 (hg19) VCF-style: chr6-116752189-G-A.
Other names: c.743G>A, p.Arg248Lys (NM_001080976.3, NM_001322937.2, NM_001322938.2 and 2 more transcripts); c.800G>A, p.Arg267Lys (NM_001322939.2); c.182G>A, p.Arg61Lys (NM_001322940.2, NM_001322941.2); c.-121G>A (NM_001374520.1); c.83+4199G>A (NM_001374521.1); c.670+4199G>A (NM_001322943.2); short protein forms R248K, R267K, R61K.
Identifiers: ClinVar variation 4847125 (VCV004847125.1).
Genomic context (GRCh38, chr6:116,431,026, plus strand): 5'-AAGCCTACTTATGGACCAAACAAGTTCTGACCATCATGGAGAAATCTCTGGTCTTGCTCA[G>A]GGAGGTGACGGATGGCTCCCTCTATGAAGGAGTTGCGTATGGCAGCTACACCACTAGATC-3'
Protein context (NP_037484.1, residues 238-258): TIMEKSLVLL[Arg248Lys]EVTDGSLYEG